The following is an entry in ClinVar:

NM_000027.4(AGA):c.509dup (p.Asn170fs)

Gene: AGA (aspartylglucosaminidase; minus strand). Cytogenetic location: 4q34.3.
Variant type: Duplication.
Coding change: c.509dup on transcript NM_000027.4 (MANE Select); coding-DNA position 509, one base duplicated (A; older notation c.509dupA).
Protein change: p.Asn170fs; shifts the reading frame from asparagine 170.
Molecular consequence: frameshift variant. On other transcripts: non-coding transcript variant (1).
Genome position (GRCh38, 1-based): chr4:177,437,518, T duplicated on the plus strand (A on the coding strand, the reverse complement: AGA is on the minus strand); the first of 2 consecutive T bases (chr4:177,437,518-177,437,519); duplicating either gives the same sequence. VCF-style (leftmost placement, unchanged base first): chr4-177437517-A-AT. GRCh37 (hg19) VCF-style: chr4-178358671-A-AT.
Other names: c.509dup, p.Asn170fs (NM_001171988.2); short protein forms N170fs.
Identifiers: ClinVar variation 1446399 (VCV001446399.6), dbSNP rs2111015936, ClinGen allele CA2573138200.

ClinVar aggregate classification (germline): Pathogenic (1 of 4 stars; one submission).

Conditions:
Aspartylglucosaminuria (AGU). Also called: AGA DEFICIENCY; Aspartylglucos-aminuria; Aspartylglucos-amidase (AGA) deficiency; GLYCOASPARAGINASE; GLYCOSYLASPARAGINASE DEFICIENCY. Identifiers: Orphanet 93, MedGen C0268225, MONDO:0008830, OMIM 208400, HP:0012068.

Submission:

Labcorp Genetics (formerly Invitae), Labcorp
Classification: Pathogenic for Aspartylglucosaminuria. Last evaluated: 2021-06-11. Review status: criteria provided, single submitter. Criteria: Invitae Variant Classification Sherloc (09022015). Collection method: clinical testing. Allele origin: germline.
Comment: For these reasons, this variant has been classified as Pathogenic. This variant has not been reported in the literature in individuals with AGA-related conditions. This variant is not present in population databases (ExAC no frequency). This sequence change creates a premature translational stop signal (p.Asn170Lysfs*27) in the AGA gene. It is expected to result in an absent or disrupted protein product. Loss-of-function variants in AGA are known to be pathogenic (PMID: 7627186, 11309371).

Literature cited by the submitters: PubMed 7627186; PubMed 11309371.